The following is an entry in ClinVar:

ClinVar aggregate classification (germline): Likely benign (1 of 4 stars; one submission).

Allele frequency attached by ClinVar (database versions not stated): ExAC 0.00093; gnomAD exomes 0.00188 and 0.00107; ESP Exome Variant Server 0.00123; 1000 Genomes Project 0.00140; 1000 Genomes Project 30x 0.00141.
gnomAD v4.1: 2,949 of 1,606,512 alleles (0.18%); highest among the groups gnomAD compares: Non-Finnish European, 0.22%; 8 homozygotes.

Submission:

CeGaT Center for Human Genetics Tuebingen
Classification: Likely benign. Last evaluated: 2025-02-01. Review status: criteria provided, single submitter. Criteria: CeGaT Center For Human Genetics Tuebingen Variant Classification Criteria Version 2. Collection method: clinical testing. Allele origin: germline. Affected: yes. Observed: 6 variant alleles.
Comment: INSRR: BP4, BP7

NM_014215.3(INSRR):c.879C>T (p.Phe293=)

Genes: INSRR (insulin receptor related receptor; minus strand), NTRK1 (neurotrophic receptor tyrosine kinase 1; plus strand). Cytogenetic location: 1q23.1.
Variant type: single nucleotide variant.
Coding change: c.879C>T on transcript NM_014215.3 (MANE Select); coding-DNA position 879, C replaced by T.
Protein change: p.Phe293=; no amino-acid change (phenylalanine 293 retained).
Molecular consequence: synonymous variant. On other transcripts: intron variant (1).
Genome position (GRCh38, 1-based): chr1:156,851,950, G>A on the plus strand (C>T on the coding strand, the complement: INSRR is on the minus strand). VCF-style: chr1-156851950-G-A. GRCh37 (hg19) VCF-style: chr1-156821742-G-A.
Other names: c.122+9757G>A (NM_001007792.1).
Identifiers: ClinVar variation 1694532 (VCV001694532.28), dbSNP rs55881234, ClinGen allele CA1168573.